The following is an entry in ClinVar:

NM_001379659.1(ZNF142):c.1613A>G (p.Lys538Arg)

Gene: ZNF142 (zinc finger protein 142; minus strand). Cytogenetic location: 2q35.
Variant type: single nucleotide variant.
Coding change: c.1613A>G on transcript NM_001379659.1 (MANE Select); coding-DNA position 1613, A replaced by G.
Protein change: p.Lys538Arg; replaces lysine 538 with arginine.
Molecular consequence: missense variant.
Genome position (GRCh38, 1-based): chr2:218,648,895, T>C on the plus strand (A>G on the coding strand, the complement: ZNF142 is on the minus strand). VCF-style: chr2-218648895-T-C. GRCh37 (hg19) VCF-style: chr2-219513618-T-C.
Other names: c.1013A>G, p.Lys338Arg (NM_001105537.5, NM_001366291.3, NM_001379662.1); c.524A>G, p.Lys175Arg (NM_001366287.3, NM_001366288.3, NM_001366289.3); c.1613A>G, p.Lys538Arg (NM_001366290.3, NM_001379660.1, NM_001379661.1); short protein forms K175R, K338R, K538R.
Identifiers: ClinVar variation 3367411 (VCV003367411.2).

ClinVar aggregate classification (germline): Uncertain significance. Review status: criteria provided, multiple submitters, no conflicts (2 of 4 stars). 2 submissions from 2 submitters: Uncertain significance (2). Last evaluated 2024-10-30.

Conditions:
Inborn genetic diseases. Identifiers: MedGen C0950123, MeSH D030342.

gnomAD v4.1: 9 of 1,614,142 alleles (0.00056%); highest among the groups gnomAD compares: African/African-American, 0.0093%; no homozygotes.

Submissions (2):

Ambry Genetics
Classification: Uncertain significance for Inborn genetic diseases. Last evaluated: 2024-10-30. Review status: criteria provided, single submitter. Criteria: Ambry Variant Classification Scheme 2023. Collection method: clinical testing. Allele origin: germline.

GeneDx
Classification: Uncertain significance. Last evaluated: 2023-12-31. Review status: criteria provided, single submitter. Criteria: GeneDx Variant Classification Process June 2021. Collection method: clinical testing. Allele origin: germline. Affected: yes.
Comment: In silico analysis supports that this missense variant does not alter protein structure/function; Has not been previously published as pathogenic or benign to our knowledge